The following is an entry in ClinVar:

NM_000817.3(GAD1):c.1595G>A (p.Arg532Gln)

Gene: GAD1 (glutamate decarboxylase 1; plus strand). Cytogenetic location: 2q31.1.
Variant type: single nucleotide variant.
Coding change: c.1595G>A on transcript NM_000817.3 (MANE Select); coding-DNA position 1595, G replaced by A.
Protein change: p.Arg532Gln; replaces arginine 532 with glutamine.
Molecular consequence: missense variant.
Genome position (GRCh38, 1-based): chr2:170,858,877, G>A. VCF-style: chr2-170858877-G-A. GRCh37 (hg19) VCF-style: chr2-171715387-G-A.
Other names: short protein forms R532Q.
Identifiers: ClinVar variation 332241 (VCV000332241.18), dbSNP rs769402, ClinGen allele CA1962998.
Genomic context (GRCh38, chr2:170,858,877, plus strand): 5'-ACGTCTGTTTTTGGTATATTCCACAAAGCCTCAGGGGTGTGCCAGACAGCCCTCAACGAC[G>A]GGAAAAGCTACACAAGGTATGGACTTGCTTTTTGTCTCATCTAATCCTCTGCAATTTCTC-3'
Protein context (NP_000808.2, residues 522-542): LRGVPDSPQR[Arg532Gln]EKLHKVAPKI

ClinVar aggregate classification (germline): Benign. Review status: criteria provided, multiple submitters, no conflicts (2 of 4 stars). 4 submissions from 4 submitters: Benign (4). Last evaluated 2026-02-02.

Conditions:
Neurodevelopmental disorder with progressive spasticity and brain white matter abnormalities. Also called: CEREBRAL PALSY, SPASTIC QUADRIPLEGIC, 1. Identifiers: Orphanet 210141, Orphanet 641353, MedGen C5436628, MONDO:0033613, OMIM 619026.

Allele frequency attached by ClinVar (database versions not stated): gnomAD exomes 0.00586; gnomAD 0.05470 and 0.05855; 1000 Genomes Project 0.06090; ESP Exome Variant Server 0.06305; TOPMed 0.06329; 1000 Genomes Project 30x 0.06636.
gnomAD v4.1: 17,232 of 1,613,968 alleles (1.1%); highest among the groups gnomAD compares: African/African-American, 19%; 1,459 homozygotes.

Submissions (4):

Labcorp Genetics (formerly Invitae), Labcorp
Classification: Benign for Neurodevelopmental disorder with progressive spasticity and brain white matter abnormalities. Last evaluated: 2026-02-02. Review status: criteria provided, single submitter. Criteria: Invitae Variant Classification Sherloc (09022015). Collection method: clinical testing. Allele origin: germline.

GeneDx
Classification: Benign. Last evaluated: 2021-06-09. Review status: criteria provided, single submitter. Criteria: GeneDx Variant Classification Process June 2021. Collection method: clinical testing. Allele origin: germline. Affected: yes.

Illumina Laboratory Services, Illumina
Classification: Benign. Last evaluated: 2018-01-12. Review status: criteria provided, single submitter. Criteria: ICSL Variant Classification Criteria 13 December 2019. Collection method: clinical testing. Allele origin: germline.
Comment: This variant was observed in the ICSL laboratory as part of a predisposition screen in an ostensibly healthy population. It had not been previously curated by ICSL or reported in the Human Gene Mutation Database (HGMD: prior to June 1st, 2018), and was therefore a candidate for classification through an automated scoring system. Utilizing variant allele frequency, disease prevalence and penetrance estimates, and inheritance mode, an automated score was calculated to assess if this variant is too frequent to cause the disease. Based on the score and internal cut-off values, a variant classified as benign is not then subjected to further curation. The score for this variant resulted in a classification of benign for this disease.

Breakthrough Genomics
Classification: Benign. Review status: criteria provided, single submitter. Criteria: ACMG Guidelines, 2015. Collection method: not provided. Allele origin: germline. Inheritance: Autosomal recessive inheritance. Affected: yes.